The following is an entry in ClinVar:

NM_006371.5(CRTAP):c.288del (p.Ala97fs)

Gene: CRTAP (cartilage associated protein; plus strand). Cytogenetic location: 3p22.3.
Variant type: Deletion.
Coding change: c.288del on transcript NM_006371.5 (MANE Select); coding-DNA position 288, one base deleted (C; older notation c.288delC).
Protein change: p.Ala97fs; shifts the reading frame from alanine 97.
Molecular consequence: frameshift variant.
Genome position (GRCh38, 1-based): chr3:33,114,365, C deleted; the last of 3 consecutive C bases (chr3:33,114,363-33,114,365); deleting any one gives the same sequence. VCF-style (leftmost placement, unchanged base first): chr3-33114362-GC-G. GRCh37 (hg19) VCF-style: chr3-33155854-GC-G.
Other names: c.288del, p.Ala97fs (NM_001393363.1, NM_001393364.1, NM_001393365.1); short protein forms A97fs.
Identifiers: ClinVar variation 3589148 (VCV003589148.2).

ClinVar aggregate classification (germline): Pathogenic/Likely pathogenic. Review status: criteria provided, multiple submitters, no conflicts (2 of 4 stars). 2 submissions from 2 submitters: Pathogenic (1); Likely pathogenic (1). Last evaluated 2025-11-25.

Conditions:
Osteogenesis imperfecta type 7 (OI7). Also called: OSTEOGENESIS IMPERFECTA, TYPE IIB; Osteogenesis imperfecta type 2B; OI type 2B; Osteogenesis imperfecta, perinatal lethal autosomal recessive; OI type IIB; OI type 7. Identifiers: MedGen C1853162, MONDO:0012536, OMIM 610682.

Submissions (2):

Labcorp Genetics (formerly Invitae), Labcorp
Classification: Pathogenic for Osteogenesis imperfecta type 7. Last evaluated: 2025-11-25. Review status: criteria provided, single submitter. Criteria: Invitae Variant Classification Sherloc (09022015). Collection method: clinical testing. Allele origin: germline.
Comment: This sequence change creates a premature translational stop signal (p.Ala97Profs*77) in the CRTAP gene. It is expected to result in an absent or disrupted protein product. Loss-of-function variants in CRTAP are known to be pathogenic (PMID: 17055431, 19862557, 24715559). This variant is not present in population databases (gnomAD no frequency). This variant has not been reported in the literature in individuals affected with CRTAP-related conditions. ClinVar contains an entry for this variant (Variation ID: 3589148). For these reasons, this variant has been classified as Pathogenic.

Fulgent Genetics
Classification: Likely pathogenic for Osteogenesis imperfecta type 7. Last evaluated: 2024-03-13. Review status: criteria provided, single submitter. Criteria: ACMG Guidelines, 2015. Collection method: clinical testing. Allele origin: germline.

Literature cited by the submitters: PubMed 17055431 (cited by Labcorp Genetics (formerly Invitae), Labcorp); PubMed 19862557 (cited by Labcorp Genetics (formerly Invitae), Labcorp); PubMed 24715559 (cited by Labcorp Genetics (formerly Invitae), Labcorp).